The following is an entry in ClinVar:

NM_001429.4(EP300):c.4448A>G (p.Tyr1483Cys)

Gene: EP300 (EP300 lysine acetyltransferase; plus strand). Cytogenetic location: 22q13.2.
Variant type: single nucleotide variant.
Coding change: c.4448A>G on transcript NM_001429.4 (MANE Select); coding-DNA position 4448, A replaced by G.
Protein change: p.Tyr1483Cys; replaces tyrosine 1483 with cysteine.
Molecular consequence: missense variant.
Genome position (GRCh38, 1-based): chr22:41,170,567, A>G. VCF-style: chr22-41170567-A-G. GRCh37 (hg19) VCF-style: chr22-41566571-A-G.
Other names: c.4370A>G, p.Tyr1457Cys (NM_001362843.2); short protein forms Y1483C, Y1457C.
Identifiers: ClinVar variation 3719108 (VCV003719108.2).
Genomic context (GRCh38, chr22:41,170,567, plus strand): 5'-TGCAGGAATGGTACAAAAAAATGCTTGACAAGGCTGTATCAGAGCGTATTGTCCATGACT[A>G]CAAGGTCAGTTGGGACATAGGGGCCAGGTGCTGACAATAGATCTGGAAATGCACTAATGT-3'
Protein context (NP_001420.2, residues 1473-1493): KAVSERIVHD[Tyr1483Cys]KDIFKQATED

ClinVar aggregate classification (germline): Uncertain significance (1 of 4 stars; one submission).

Conditions:
Rubinstein-Taybi syndrome due to EP300 haploinsufficiency. Also called: EP300-Related Rubinstein-Taybi Syndrome; RUBINSTEIN-TAYBI SYNDROME 2. Identifiers: Orphanet 353284, Orphanet 783, MedGen C3150941, MONDO:0013364, OMIM 613684.

gnomAD v4.1: 9 of 1,613,862 alleles (0.00056%); highest among the groups gnomAD compares: Admixed American, 0.0017%; no homozygotes.

Submission:

Labcorp Genetics (formerly Invitae), Labcorp
Classification: Uncertain significance for Rubinstein-Taybi syndrome due to EP300 haploinsufficiency. Last evaluated: 2024-07-16. Review status: criteria provided, single submitter. Criteria: Invitae Variant Classification Sherloc (09022015). Collection method: clinical testing. Allele origin: germline.
Comment: This sequence change replaces tyrosine, which is neutral and polar, with cysteine, which is neutral and slightly polar, at codon 1483 of the EP300 protein (p.Tyr1483Cys). This variant is present in population databases (no rsID available, gnomAD 0.004%). This variant has not been reported in the literature in individuals affected with EP300-related conditions. Advanced modeling of protein sequence and biophysical properties (such as structural, functional, and spatial information, amino acid conservation, physicochemical variation, residue mobility, and thermodynamic stability) has been performed at Invitae for this missense variant, however the output from this modeling did not meet the statistical confidence thresholds required to predict the impact of this variant on EP300 protein function. In summary, the available evidence is currently insufficient to determine the role of this variant in disease. Therefore, it has been classified as a Variant of Uncertain Significance.